The following is an entry in ClinVar:

NM_000257.4(MYH7):c.5159A>T (p.Asn1720Ile)

Genes: MHRT (myosin heavy chain associated RNA transcript; plus strand), MYH7 (myosin heavy chain 7; minus strand), LOC126861897 (BRD4-independent group 4 enhancer GRCh37_chr14:23884455-23885654; plus strand). Cytogenetic location: 14q11.2.
Variant type: single nucleotide variant.
Coding change: c.5159A>T on transcript NM_000257.4 (MANE Select); coding-DNA position 5159, A replaced by T.
Protein change: p.Asn1720Ile; replaces asparagine 1720 with isoleucine.
Molecular consequence: missense variant.
Genome position (GRCh38, 1-based): chr14:23,415,505, T>A on the plus strand (A>T on the coding strand, the complement: MYH7 is on the minus strand). VCF-style: chr14-23415505-T-A. GRCh37 (hg19) VCF-style: chr14-23884714-T-A.
Other names: c.5159A>T, p.Asn1720Ile (NM_001407004.1); short protein forms N1720I.
Identifiers: ClinVar variation 3770223 (VCV003770223.1).

ClinVar aggregate classification (germline): Uncertain significance (1 of 4 stars; one submission).

Conditions:
Hypertrophic cardiomyopathy. Also called: HYPERTROPHIC MYOCARDIOPATHY. Identifiers: Orphanet 217569, MedGen C0007194, MeSH D002312, MONDO:0005045, HP:0001639.

Submission:

Clinical Genetics Laboratory, Skane University Hospital Lund
Classification: Uncertain significance for Hypertrophic cardiomyopathy. Last evaluated: 2024-12-12. Review status: criteria provided, single submitter. Criteria: ACMG Guidelines, 2015. Collection method: clinical testing. Allele origin: germline. Affected: yes.
Comment: ACMG criteria used: PM2, PP3